The following is an entry in ClinVar:

ClinVar aggregate classification (germline): Uncertain significance (1 of 4 stars; one submission).

Conditions:
Werner syndrome (WRN). Identifiers: Orphanet 902, MedGen C0043119, MONDO:0010196, OMIM 277700.

Allele frequency attached by ClinVar (database versions not stated): gnomAD exomes below 0.00001.
gnomAD v4.1: 2 of 1,613,886 alleles (0.00012%); highest among the groups gnomAD compares: Non-Finnish European, 0.000085%; no homozygotes.

Submission:

Labcorp Genetics (formerly Invitae), Labcorp
Classification: Uncertain significance for Werner syndrome. Last evaluated: 2025-11-24. Review status: criteria provided, single submitter. Criteria: Invitae Variant Classification Sherloc (09022015). Collection method: clinical testing. Allele origin: germline.
Comment: This sequence change replaces aspartic acid, which is acidic and polar, with glycine, which is neutral and non-polar, at codon 263 of the WRN protein (p.Asp263Gly). This variant is not present in population databases (gnomAD no frequency). This variant has not been reported in the literature in individuals affected with WRN-related conditions. ClinVar contains an entry for this variant (Variation ID: 836751). An algorithm developed to predict the effect of missense changes on protein structure and function (PolyPhen-2) suggests that this variant is likely to be disruptive. In summary, the available evidence is currently insufficient to determine the role of this variant in disease. Therefore, it has been classified as a Variant of Uncertain Significance.

NM_000553.6(WRN):c.788A>G (p.Asp263Gly)

Gene: WRN (WRN RecQ like helicase; plus strand). Cytogenetic location: 8p12.
Variant type: single nucleotide variant.
Coding change: c.788A>G on transcript NM_000553.6 (MANE Select); coding-DNA position 788, A replaced by G.
Protein change: p.Asp263Gly; replaces aspartic acid 263 with glycine.
Molecular consequence: missense variant.
Genome position (GRCh38, 1-based): chr8:31,076,236, A>G. VCF-style: chr8-31076236-A-G. GRCh37 (hg19) VCF-style: chr8-30933752-A-G.
Other names: short protein forms D263G.
Identifiers: ClinVar variation 836751 (VCV000836751.5), dbSNP rs1813088906, ClinGen allele CA370918544.